The following is an entry in ClinVar:

ClinVar aggregate classification (germline): Pathogenic (1 of 4 stars; one submission).

Conditions:
Fanconi anemia complementation group A (FANCA). Also called: Fanconi anemia, group A; FANCA-Related Fanconi Anemia. Identifiers: Orphanet 84, MedGen C3469521, MONDO:0009215, OMIM 227650.

Submission:

Myriad Genetics, Inc.
Classification: Pathogenic for Fanconi anemia complementation group A. Last evaluated: 2026-06-11. Review status: criteria provided, single submitter. Criteria: Myriad Autosomal Dominant, Autosomal Recessive and X-Linked Classification Criteria (2023). Collection method: clinical testing. Allele origin: unknown.
Comment: NM_000135.2(FANCA):c.394dupA(S132Kfs*49) is expected to be pathogenic in the context of Fanconi anemia complementation group A. This variant is predicted to lead to an abnormal or absent protein product due to the creation of a premature termination codon in FANCA, a gene where loss-of-function variants are known to be pathogenic. Please note: this variant was assessed in the context of healthy population screening.

NM_000135.4(FANCA):c.394dup (p.Ser132fs)

Gene: FANCA (FA complementation group A; minus strand). Cytogenetic location: 16q24.3.
Variant type: Duplication.
Coding change: c.394dup on transcript NM_000135.4 (MANE Select); coding-DNA position 394, one base duplicated (A; older notation c.394dupA).
Protein change: p.Ser132fs; shifts the reading frame from serine 132.
Molecular consequence: frameshift variant.
Genome position (GRCh38, 1-based): chr16:89,810,961, T duplicated on the plus strand (A on the coding strand, the reverse complement: FANCA is on the minus strand). VCF-style (leftmost placement, unchanged base first): chr16-89810960-C-CT. GRCh37 (hg19) VCF-style: chr16-89877368-C-CT.
Other names: c.394dup, p.Ser132fs (NM_001018112.3, NM_001286167.3, NM_001351830.2); short protein forms S132fs.
Identifiers: ClinVar variation 5016026 (VCV005016026.1).